The following is an entry in ClinVar:

ClinVar aggregate classification (germline): Conflicting classifications of pathogenicity. Review status: criteria provided, conflicting classifications (1 of 4 stars). 3 submissions from 3 submitters: Uncertain significance (2); Likely benign (1). Last evaluated 2026-07-28.

Conditions:
Cardiovascular phenotype. Identifiers: MedGen CN230736.
Lymphatic malformation 7 (LMPHM7). Also called: Hydrops fetalis, nonimmune, and/or atrial septal defect, susceptibility to. Identifiers: MedGen C4310629, MONDO:0015009, OMIM 617300.

Allele frequency attached by ClinVar (database versions not stated): TOPMed 0.00001.
gnomAD v4.1: 5 of 1,614,162 alleles (0.00031%); highest among the groups gnomAD compares: Admixed American, 0.0083%; no homozygotes.

Submissions (3):

Ambry Genetics
Classification: Likely benign for Cardiovascular phenotype. Last evaluated: 2026-07-28. Review status: criteria provided, single submitter. Criteria: Ambry Variant Classification Scheme 2023. Collection method: clinical testing. Allele origin: germline.

Clinical Genomics Laboratory, Washington University in St. Louis
Classification: Uncertain significance for Lymphatic malformation 7. Last evaluated: 2024-03-14. Review status: criteria provided, single submitter. Criteria: ACMG Guidelines, 2015. Collection method: clinical testing. Allele origin: germline.
Comment: An EPHB4 c.896C>T (p.Ser299Leu) variant was identified at a near heterozygous allelic fraction of 47.7%, a frequency which may be consistent with germline origin. This variant, to our knowledge, has not been reported in the medical literature and is only observed on 5/1,461,848 alleles in the general population (gnomAD v.4.0.0), indicating it is not a common variant. It has been reported in the ClinVar database as a germline variant of uncertain significance by one submitter (ClinVar ID: 2981375). Computational predictors are uncertain as to the impact of this variant on EPHB4 function. Due to limited information, and based on ACMG/AMP guidelines for variant interpretation (Richards S et al., PMID: 25741868), the clinical significance of the EPHB4 c.896C>T (p.Ser299Leu) variant is uncertain at this time.

Labcorp Genetics (formerly Invitae), Labcorp
Classification: Uncertain significance. Last evaluated: 2023-09-20. Review status: criteria provided, single submitter. Criteria: Invitae Variant Classification Sherloc (09022015). Collection method: clinical testing. Allele origin: germline.
Comment: In summary, the available evidence is currently insufficient to determine the role of this variant in disease. Therefore, it has been classified as a Variant of Uncertain Significance. This sequence change replaces serine, which is neutral and polar, with leucine, which is neutral and non-polar, at codon 299 of the EPHB4 protein (p.Ser299Leu). This variant is present in population databases (no rsID available, gnomAD 0.01%). This variant has not been reported in the literature in individuals affected with EPHB4-related conditions. Advanced modeling of protein sequence and biophysical properties (such as structural, functional, and spatial information, amino acid conservation, physicochemical variation, residue mobility, and thermodynamic stability) has been performed at Invitae for this missense variant, however the output from this modeling did not meet the statistical confidence thresholds required to predict the impact of this variant on EPHB4 protein function.

NM_004444.5(EPHB4):c.896C>T (p.Ser299Leu)

Gene: EPHB4 (EPH receptor B4; minus strand). Cytogenetic location: 7q22.1.
Variant type: single nucleotide variant.
Coding change: c.896C>T on transcript NM_004444.5 (MANE Select); coding-DNA position 896, C replaced by T.
Protein change: p.Ser299Leu; replaces serine 299 with leucine.
Molecular consequence: missense variant.
Genome position (GRCh38, 1-based): chr7:100,820,209, G>A on the plus strand (C>T on the coding strand, the complement: EPHB4 is on the minus strand). VCF-style: chr7-100820209-G-A. GRCh37 (hg19) VCF-style: chr7-100417831-G-A.
Other names: c.896C>T (NM_004444.4); short protein forms S299L.
Identifiers: ClinVar variation 2981375 (VCV002981375.5), dbSNP rs964985310, ClinGen allele CA163285561.